The following is an entry in ClinVar:

ClinVar aggregate classification (germline): Pathogenic (1 of 4 stars; one submission).

Conditions:
Autosomal recessive limb-girdle muscular dystrophy type 2C (LGMDR5). Also called: MUSCULAR DYSTROPHY, DUCHENNE-LIKE; MUSCULAR DYSTROPHY, LIMB-GIRDLE, AUTOSOMAL RECESSIVE 5. Identifiers: Orphanet 353, MedGen C0410173, MONDO:0009677, OMIM 253700. Disease mechanism: Affects gamma-sarcoglycan and also disrupts the integrity of the entire sarcoglycan complex..

Submission:

Labcorp Genetics (formerly Invitae), Labcorp
Classification: Pathogenic for Autosomal recessive limb-girdle muscular dystrophy type 2C. Last evaluated: 2023-03-12. Review status: criteria provided, single submitter. Criteria: Invitae Variant Classification Sherloc (09022015). Collection method: clinical testing. Allele origin: unknown.
Comment: For these reasons, this variant has been classified as Pathogenic. This variant has not been reported in the literature in individuals affected with SGCG-related conditions. This variant is a gross deletion of the genomic region encompassing exon(s) 2-4 of the SGCG gene, which includes the initiator codon. This deletion extends beyond the assayed region for this gene and therefore may encompass additional genes. It is expected to result in an absent or disrupted protein product. Loss-of-function variants in SGCG are known to be pathogenic (PMID: 18285821).

Literature cited by the submitters: PubMed 18285821.

NC_000013.10:g.(?_23777834)_(23824876_?)del

Gene: SGCG (sarcoglycan gamma; plus strand). Cytogenetic location: 13q12.12.
Variant type: Deletion.
Identifiers: ClinVar variation 3244159 (VCV003244159.1).